The following is an entry in ClinVar:

ClinVar aggregate classification (germline): Likely benign. Review status: criteria provided, single submitter (1 of 4 stars). 2 submissions from 2 submitters: Likely benign (1). 1 of the submissions does not count toward it. Last evaluated 2024-02-17.

Conditions:
PHEX-related disorder. Also called: PHEX-related condition.

Allele frequency attached by ClinVar (database versions not stated): gnomAD exomes below 0.00001.
gnomAD v4.1: 5 of 1,196,574 alleles (0.00042%); highest among the groups gnomAD compares: Non-Finnish European, 0.00057%; no homozygotes.

Submissions (2):

Labcorp Genetics (formerly Invitae), Labcorp
Classification: Likely benign. Last evaluated: 2024-02-17. Review status: criteria provided, single submitter. Criteria: Invitae Variant Classification Sherloc (09022015). Collection method: clinical testing. Allele origin: germline.

PreventionGenetics, part of Exact Sciences
Classification: Likely benign for PHEX-related condition. Last evaluated: 2019-10-25. Review status: no assertion criteria provided. Collection method: clinical testing. Allele origin: germline. Not counted in ClinVar's aggregate classification.
Comment: This variant is classified as likely benign based on ACMG/AMP sequence variant interpretation guidelines (Richards et al. 2015 PMID: 25741868, with internal and published modifications).

NM_000444.6(PHEX):c.753G>A (p.Lys251=)

Gene: PHEX (phosphate regulating endopeptidase X-linked; plus strand). Cytogenetic location: Xp22.11.
Variant type: single nucleotide variant.
Coding change: c.753G>A on transcript NM_000444.6 (MANE Select); coding-DNA position 753, G replaced by A.
Protein change: p.Lys251=; no amino-acid change (lysine 251 retained).
Molecular consequence: synonymous variant.
Genome position (GRCh38, 1-based): chrX:22,094,003, G>A. VCF-style: chrX-22094003-G-A. GRCh37 (hg19) VCF-style: chrX-22112121-G-A.
Other names: c.753G>A, p.Lys251= (NM_001282754.2); c.753G>A (NM_000444.5).
Identifiers: ClinVar variation 1991392 (VCV001991392.5), dbSNP rs2519772018, ClinGen allele CA515423655.